The following is an entry in ClinVar:

ClinVar aggregate classification (germline): Pathogenic. Review status: criteria provided, multiple submitters, no conflicts (2 of 4 stars). 2 submissions from 2 submitters: Pathogenic (2). Last evaluated 2024-04-15.

Conditions:
Polycystic kidney disease, adult type (PKD1). Also called: Polycystic Kidney, Autosomal Dominant; POLYCYSTIC KIDNEY DISEASE 1 WITH OR WITHOUT POLYCYSTIC LIVER DISEASE; POLYCYSTIC KIDNEY DISEASE, ADULT, TYPE I; Polycystic Kidney Disease 1, Autosomal Dominant; Polycystic kidney disease 1; Polycystic kidney disease 1, severe. Identifiers: MedGen C3149841, MONDO:0008263, OMIM 173900.

Submissions (2):

Fulgent Genetics
Classification: Pathogenic for Polycystic kidney disease, adult type. Last evaluated: 2024-04-15. Review status: criteria provided, single submitter. Criteria: ACMG Guidelines, 2015. Collection method: clinical testing. Allele origin: germline.

GeneDx
Classification: Pathogenic. Last evaluated: 2023-06-06. Review status: criteria provided, single submitter. Criteria: GeneDx Variant Classification Process June 2021. Collection method: clinical testing. Allele origin: germline. Affected: yes.
Comment: Nonsense variant predicted to result in protein truncation or nonsense mediated decay in a gene for which loss of function is a known mechanism of disease; Not observed at significant frequency in large population cohorts (gnomAD); This variant is associated with the following publications: (PMID: 22508176)

NM_001009944.3(PKD1):c.3213C>G (p.Tyr1071Ter)

Gene: PKD1 (polycystin 1, transient receptor potential channel interacting; minus strand). Cytogenetic location: 16p13.3.
Variant type: single nucleotide variant.
Coding change: c.3213C>G on transcript NM_001009944.3 (MANE Select); coding-DNA position 3213, C replaced by G.
Protein change: p.Tyr1071Ter; replaces tyrosine 1071 with a stop codon.
Molecular consequence: nonsense.
Genome position (GRCh38, 1-based): chr16:2,112,422, G>C on the plus strand (C>G on the coding strand, the complement: PKD1 is on the minus strand). VCF-style: chr16-2112422-G-C. GRCh37 (hg19) VCF-style: chr16-2162423-G-C.
Other names: c.3213C>G, p.Tyr1071Ter (NM_000296.4); short protein forms Y1071*.
Identifiers: ClinVar variation 3338785 (VCV003338785.2).